The following is an entry in ClinVar:

NC_000022.11:g.40346456C>A

Gene: ADSL (adenylosuccinate lyase; plus strand). Cytogenetic location: 22q13.1.
Variant type: single nucleotide variant.
Genome position: GRCh38 VCF-style: chr22-40346456-C-A. GRCh37 (hg19) VCF-style: chr22-40742460-C-A.
Identifiers: ClinVar variation 1408517 (VCV001408517.6), dbSNP rs533768359, ClinGen allele CA2573158357.

ClinVar aggregate classification (germline): Uncertain significance (1 of 4 stars; one submission).

Conditions:
Adenylosuccinate lyase deficiency (ADSLD). Also called: ADSL DEFICIENCY. Identifiers: Orphanet 46, MedGen C0268126, MONDO:0007068, OMIM 103050.

Submission:

Labcorp Genetics (formerly Invitae), Labcorp
Classification: Uncertain significance for Adenylosuccinate lyase deficiency. Last evaluated: 2021-02-12. Review status: criteria provided, single submitter. Criteria: Invitae Variant Classification Sherloc (09022015). Collection method: clinical testing. Allele origin: germline.
Comment: In summary, the available evidence is currently insufficient to determine the role of this variant in disease. Therefore, it has been classified as a Variant of Uncertain Significance. Experimental studies and prediction algorithms are not available or were not evaluated, and the functional significance of this variant is currently unknown. This variant has not been reported in the literature in individuals with ADSL-related conditions. The frequency data for this variant in the population databases is considered unreliable, as metrics indicate insufficient coverage at this position in the ExAC database. This variant occurs in a non-coding region of the ADSL gene. It does not change the encoded amino acid sequence of the ADSL protein.